The following is an entry in ClinVar:

NM_207037.2(TCF12):c.634C>T (p.Pro212Ser)

Gene: TCF12 (transcription factor 12; plus strand). Cytogenetic location: 15q21.3.
Variant type: single nucleotide variant.
Coding change: c.634C>T on transcript NM_207037.2 (MANE Select); coding-DNA position 634, C replaced by T.
Protein change: p.Pro212Ser; replaces proline 212 with serine.
Molecular consequence: missense variant. On other transcripts: synonymous variant (1), 5 prime UTR variant (1).
Genome position (GRCh38, 1-based): chr15:57,231,206, C>T. VCF-style: chr15-57231206-C-T. GRCh37 (hg19) VCF-style: chr15-57523404-C-T.
Other names: c.124C>T, p.Pro42Ser (NM_001306219.3, NM_207040.2); c.66C>T, p.Ile22= (NM_001306220.3); c.634C>T, p.Pro212Ser (NM_001322151.2, NM_001322152.2, NM_001322157.3 and 7 more transcripts); c.-24C>T (NM_001322154.2); c.460C>T, p.Pro154Ser (NM_001322156.2, NM_001322158.2); c.670C>T, p.Pro224Ser (NM_001322164.2); short protein forms P154S, P212S, P224S, P42S.
Identifiers: ClinVar variation 1800568 (VCV001800568.2), dbSNP rs2038385093, ClinGen allele CA392590562.

ClinVar aggregate classification (germline): Uncertain significance (1 of 4 stars; one submission).

Allele frequency attached by ClinVar (database versions not stated): gnomAD 0.00001.
gnomAD v4.1: 2 of 1,613,148 alleles (0.00012%); highest among the groups gnomAD compares: Non-Finnish European, 0.00017%; no homozygotes.

Submission:

GeneDx
Classification: Uncertain significance. Last evaluated: 2024-05-28. Review status: criteria provided, single submitter. Criteria: GeneDx Variant Classification Process June 2021. Collection method: clinical testing. Allele origin: germline.
Comment: Not observed at significant frequency in large population cohorts (gnomAD); In silico analysis supports that this missense variant has a deleterious effect on protein structure/function; Has not been previously published as pathogenic or benign to our knowledge